The following is an entry in ClinVar:

NM_003638.3(ITGA8):c.168C>A (p.Tyr56Ter)

Gene: ITGA8 (integrin subunit alpha 8; minus strand). Cytogenetic location: 10p13.
Variant type: single nucleotide variant.
Coding change: c.168C>A on transcript NM_003638.3 (MANE Select); coding-DNA position 168, C replaced by A.
Protein change: p.Tyr56Ter; replaces tyrosine 56 with a stop codon.
Molecular consequence: nonsense.
Genome position (GRCh38, 1-based): chr10:15,719,604, G>T on the plus strand (C>A on the coding strand, the complement: ITGA8 is on the minus strand). VCF-style: chr10-15719604-G-T. GRCh37 (hg19) VCF-style: chr10-15761603-G-T.
Other names: c.168C>A, p.Tyr56Ter (NM_001291494.2); short protein forms Y56*.
Identifiers: ClinVar variation 3347096 (VCV003347096.1).

ClinVar aggregate classification (germline): Uncertain significance (0 of 4 stars; one submission).

Conditions:
ITGA8-related disorder. Also called: ITGA8-related condition.

Submission:

PreventionGenetics, part of Exact Sciences
Classification: Uncertain significance for ITGA8-related condition. Last evaluated: 2024-05-24. Review status: no assertion criteria provided. Collection method: clinical testing. Allele origin: germline.
Comment: The ITGA8 c.168C>A variant is predicted to result in premature protein termination (p.Tyr56*). To our knowledge, this variant has not been reported in the literature or in a large population database, indicating this variant is rare. Truncating variants in ITGA8 are expected to be pathogenic; however, this nonsense variant occurs at the first coding exon and no variants of this type upstream of amino acid 56 have been reported to be pathogenic in the literature. Although we suspect that this variant may be pathogenic, at this time, the clinical significance of this variant is uncertain due to the absence of conclusive functional and genetic evidence.